The following is an entry in ClinVar:

ClinVar aggregate classification (germline): Pathogenic/Likely pathogenic. Review status: criteria provided, multiple submitters, no conflicts (2 of 4 stars). 8 submissions from 8 submitters: Pathogenic (3); Likely pathogenic (4). 1 of the submissions does not count toward it. Last evaluated 2026-04-03.

Conditions:
MYO7A-related disorder. Also called: MYO7A-related disorders.
Usher syndrome type 1 (USH1). Also called: RETINITIS PIGMENTOSA AND CONGENITAL DEAFNESS. Identifiers: Orphanet 231169, Orphanet 886, MedGen C1568247, MONDO:0010168, OMIM 276900.
Autosomal dominant nonsyndromic hearing loss 11. Identifiers: Orphanet 90635, MedGen C1832475, MONDO:0011032, OMIM 601317.
Autosomal recessive nonsyndromic hearing loss 2. Also called: NEUROSENSORY NONSYNDROMIC RECESSIVE DEAFNESS 2; DEAFNESS, AUTOSOMAL RECESSIVE 2. Identifiers: Orphanet 90636, MedGen C1838701, MONDO:0010807, OMIM 600060.
Usher syndrome type 1B (USH1B). Also called: Usher syndrome type IB. Identifiers: MedGen C1848638, MONDO:0700087.

Allele frequency attached by ClinVar (database versions not stated): TOPMed below 0.00001; gnomAD 0.00002.
gnomAD v4.1: 14 of 1,613,912 alleles (0.00087%); highest among the groups gnomAD compares: African/African-American, 0.0013%; no homozygotes.

Submissions (8):

GeneDx
Classification: Pathogenic. Last evaluated: 2026-04-03. Review status: criteria provided, single submitter. Criteria: GeneDx Variant Classification Process June 2021. Collection method: clinical testing. Allele origin: germline.
Comment: Published functional studies demonstrate this variant leads to loss of function of actin-activated ATPase activity (PMID: 18700726); A different missense change at this residue (p.(R212H)) has been reported as pathogenic in the published literature in association with Usher syndrome (PMID: 8900236, 15043528, 21873662); Not observed at significant frequency in large population cohorts (gnomAD); In silico analysis supports that this missense variant has a deleterious effect on protein structure/function; This variant is associated with the following publications: (PMID: 8900236, 36597107, 27957503, 18700726, 7870171, 15043528, 21873662)

Natera, Inc.
Classification: Likely pathogenic for Usher syndrome type 1B. Last evaluated: 2025-07-18. Review status: criteria provided, single submitter. Criteria: Natera Variant Classification Schema (03/2026). Collection method: clinical testing. Allele origin: germline.
Comment: The c.634C>T variant in MYO7A is a missense variant predicted to cause substitution of arginine to cysteine at amino acid 212. This variant is rare in the general population with a frequency below the threshold expected for the associated phenotype(s). This variant has been observed in one or more individuals affected with the associated recessive disease, as either homozygous or compound heterozygous with a second variant (PMID: 15043528, 27957503). Additionally, this variant has been observed to segregate in affected family members (PMID: 15043528). A different variant at the same position has been determined to be Pathogenic or Likely Pathogenic. Computational prediction algorithms indicate this variant is likely to affect gene or protein function. Given the available evidence, this variant is classified as Likely Pathogenic.

Variantyx, Inc.
Classification: Likely pathogenic for Usher syndrome type 1. Last evaluated: 2025-05-21. Review status: criteria provided, single submitter. Criteria: Variantyx Assertion Criteria 2022. Collection method: clinical testing. Allele origin: germline. Inheritance: Autosomal recessive inheritance. Affected: no.
Comment: This is a nonsynonymous variant in the MYO7A gene (OMIM: 276903). Pathogenic variants in this gene have been associated with autosomal recessive Usher syndrome type IB. This variant has been identified in the homozygous or compound heterozygous state in at least 5 individuals reported in the published literature (PMID: 15043528) (PM3) and it has been observed to segregate with disease in at least 5 individuals from 2 families (PMID: 15043528, 27957503). An alternate amino acid change at this position (p.Arg212His) has been previously reported in similarly affected individuals, which suggests that this residue is biologically important (PMID: 21873662, 12786748) (PM5) and multiple computational algorithms predict a deleterious effect for this variant (REVEL score: 0.874) (PP3). This variant has a 0.0013% maximum allele frequency in non-founder control populations (PM2). Based on the current evidence, this variant is classified as likely pathogenic for autosomal recessive Usher syndrome type IB.A

Myriad Genetics, Inc.
Classification: Likely pathogenic for Usher syndrome type 1. Last evaluated: 2025-01-10. Review status: criteria provided, single submitter. Criteria: Myriad Autosomal Dominant, Autosomal Recessive and X-Linked Classification Criteria (2023). Collection method: clinical testing. Allele origin: unknown.
Comment: NM_000260.3(MYO7A):c.634C>T(R212C) is a missense variant classified as likely pathogenic in the context of MYO7A-related disorders. R212C has been observed in cases with relevant disease (PMID: 31341231, 15043528, 27957503). Relevant functional assessments of this variant are not available in the literature. Internal structural analysis of the variant is supportive of pathogenicity. R212C has not been observed in referenced population frequency databases. In summary, NM_000260.3(MYO7A):c.634C>T(R212C) is a missense variant that has internal structural support for pathogenicity and has been observed more frequently in cases with the relevant disease than in healthy populations. Please note: this variant was assessed in the context of healthy population screening.

Labcorp Genetics (formerly Invitae), Labcorp
Classification: Pathogenic. Last evaluated: 2025-01-07. Review status: criteria provided, single submitter. Criteria: Invitae Variant Classification Sherloc (09022015). Collection method: clinical testing. Allele origin: germline.
Comment: This sequence change replaces arginine, which is basic and polar, with cysteine, which is neutral and slightly polar, at codon 212 of the MYO7A protein (p.Arg212Cys). This variant is not present in population databases (gnomAD no frequency). This missense change has been observed in individuals with Usher syndrome (PMID: 15043528, 27957503). It has also been observed to segregate with disease in related individuals. ClinVar contains an entry for this variant (Variation ID: 11851). Invitae Evidence Modeling of protein sequence and biophysical properties (such as structural, functional, and spatial information, amino acid conservation, physicochemical variation, residue mobility, and thermodynamic stability) indicates that this missense variant is expected to disrupt MYO7A protein function with a positive predictive value of 95%. Experimental studies have shown that this missense change affects MYO7A function (PMID: 18700726). This variant disrupts the p.Arg212 amino acid residue in MYO7A. Other variant(s) that disrupt this residue have been determined to be pathogenic (PMID: 7870171, 15043528, 24199935). This suggests that this residue is clinically significant, and that variants that disrupt this residue are likely to be disease-causing. For these reasons, this variant has been classified as Pathogenic.

Fulgent Genetics
Classification: Likely pathogenic for Usher syndrome type 1; Autosomal recessive nonsyndromic hearing loss 2; Autosomal dominant nonsyndromic hearing loss 11. Last evaluated: 2024-04-30. Review status: criteria provided, single submitter. Criteria: ACMG Guidelines, 2015. Collection method: clinical testing. Allele origin: germline.

Blueprint Genetics
Classification: Pathogenic for MYO7A-related disorders. Last evaluated: 2021-06-17. Review status: criteria provided, single submitter. Criteria: ACMG Guidelines, 2015. Collection method: clinical testing. Allele origin: germline. Affected: yes. Observed: 5 variant alleles.

OMIM
Classification: Pathogenic for USHER SYNDROME, TYPE IB. Last evaluated: 1995-10-10. Review status: no assertion criteria provided. Collection method: literature only. Allele origin: germline. Not counted in ClinVar's aggregate classification.

Literature cited by the submitters: PubMed 15043528 (cited by 4 submitters); PubMed 27957503 (cited by 4 submitters); PubMed 18700726 (cited by Variantyx, Inc. and Labcorp Genetics (formerly Invitae), Labcorp); PubMed 21873662 (cited by Variantyx, Inc.); PubMed 12786748 (cited by Variantyx, Inc.); PubMed 31341231 (cited by Myriad Genetics, Inc.); PubMed 7870171 (cited by Labcorp Genetics (formerly Invitae), Labcorp); PubMed 24199935 (cited by Labcorp Genetics (formerly Invitae), Labcorp); PubMed 7568224 (cited by OMIM).

NM_000260.4(MYO7A):c.634C>T (p.Arg212Cys)

Gene: MYO7A (myosin VIIA; plus strand). Cytogenetic location: 11q13.5.
Variant type: single nucleotide variant.
Coding change: c.634C>T on transcript NM_000260.4 (MANE Select); coding-DNA position 634, C replaced by T.
Protein change: p.Arg212Cys; replaces arginine 212 with cysteine.
Molecular consequence: missense variant.
Genome position (GRCh38, 1-based): chr11:77,156,903, C>T. VCF-style: chr11-77156903-C-T. GRCh37 (hg19) VCF-style: chr11-76867949-C-T.
Other names: c.634C>T, p.Arg212Cys (NM_001127180.2); c.601C>T, p.Arg201Cys (NM_001369365.1); short protein forms R212C, R201C.
Identifiers: ClinVar variation 11851 (VCV000011851.16), dbSNP rs121965080, ClinGen allele CA277962.
Genomic context (GRCh38, chr11:77,156,903, plus strand): 5'-CACCCTACTCACTCCGCAGCATTTGGGAATGCCAAGACCATCCGCAATGACAACTCAAGC[C>T]GTTTCGGAAAGTACATCGACATCCACTTCAACAAGCGGGGCGCCATCGAGGGCGCGAAGA-3'
Protein context (NP_000251.3, residues 202-222): AKTIRNDNSS[Arg212Cys]FGKYIDIHFN